The following is an entry in ClinVar:

NM_006922.4(SCN3A):c.5099T>C (p.Ile1700Thr)

Gene: SCN3A (sodium voltage-gated channel alpha subunit 3; minus strand). Cytogenetic location: 2q24.3.
Variant type: single nucleotide variant.
Coding change: c.5099T>C on transcript NM_006922.4 (MANE Select); coding-DNA position 5099, T replaced by C.
Protein change: p.Ile1700Thr; replaces isoleucine 1700 with threonine.
Molecular consequence: missense variant.
Genome position (GRCh38, 1-based): chr2:165,091,054, A>G on the plus strand (T>C on the coding strand, the complement: SCN3A is on the minus strand). VCF-style: chr2-165091054-A-G. GRCh37 (hg19) VCF-style: chr2-165947564-A-G.
Other names: c.4952T>C, p.Ile1651Thr (NM_001081676.2, NM_001081677.2); short protein forms I1651T, I1700T.
Identifiers: ClinVar variation 4882000 (VCV004882000.2).
Genomic context (GRCh38, chr2:165,091,054, plus strand): 5'-TTAAGAATAGGTGCTAGCAATCCATCCCAGCCAGCAGAGGTTGTAATTTGGAACAAGCAG[A>G]TCATGCTGTTGCCAAAGGTCTCAAAGTTGAACATGTCATCAATTCCAGCTTCCTTTTTAA-3'
Protein context (NP_008853.3, residues 1690-1710): FNFETFGNSM[Ile1700Thr]CLFQITTSAG

ClinVar aggregate classification (germline): Uncertain significance (1 of 4 stars; one submission).

Submission:

Dasa
Classification: Uncertain significance. Last evaluated: 2026-01-06. Review status: criteria provided, single submitter. Criteria: DASA Assertion Criteria. Collection method: clinical testing. Allele origin: germline.
Comment: NM_006922.4(SCN3A):c.5099T>C (p.Ile1700Thr) is a missense variant that results in the substitution of isoleucine with threonine. This variant is rare in population databases. Computational prediction algorithms are consistent with a deleterious effect. The currently available literature and clinical evidence are not sufficient to establish a definitive association between this variant and the reported condition. Therefore, this variant is classified as a variant of uncertain significance.